The following is an entry in ClinVar:

ClinVar aggregate classification (germline): Uncertain significance (0 of 4 stars; one submission).

Conditions:
CEP290-related disorder. Also called: CEP290-related condition; CEP290-related disorders. Identifiers: MedGen CN239314.

gnomAD v4.1: 2 of 1,573,106 alleles (0.00013%); highest among the groups gnomAD compares: Non-Finnish European, 0.00017%; no homozygotes.

Submission:

PreventionGenetics, part of Exact Sciences
Classification: Uncertain significance for CEP290-related condition. Last evaluated: 2024-01-25. Review status: no assertion criteria provided. Collection method: clinical testing. Allele origin: germline.
Comment: The CEP290 c.5609A>G variant is predicted to result in the amino acid substitution p.Lys1870Arg. To our knowledge, this variant has not been reported in the literature. This variant is reported in 0.0011% of alleles in individuals of European (Non-Finnish) descent in gnomAD. At this time, the clinical significance of this variant is uncertain due to the absence of conclusive functional and genetic evidence.

NM_025114.4(CEP290):c.5609A>G (p.Lys1870Arg)

Gene: CEP290 (centrosomal protein 290; minus strand). Cytogenetic location: 12q21.32.
Variant type: single nucleotide variant.
Coding change: c.5609A>G on transcript NM_025114.4 (MANE Select); coding-DNA position 5609, A replaced by G.
Protein change: p.Lys1870Arg; replaces lysine 1870 with arginine.
Molecular consequence: missense variant.
Genome position (GRCh38, 1-based): chr12:88,077,322, T>C on the plus strand (A>G on the coding strand, the complement: CEP290 is on the minus strand). VCF-style: chr12-88077322-T-C. GRCh37 (hg19) VCF-style: chr12-88471099-T-C.
Other names: short protein forms K1870R.
Identifiers: ClinVar variation 3349068 (VCV003349068.1).